The following is an entry in ClinVar:

NM_006030.4(CACNA2D2):c.515A>T (p.Asp172Val)

Gene: CACNA2D2 (calcium voltage-gated channel auxiliary subunit alpha2delta 2; minus strand). Cytogenetic location: 3p21.31.
Variant type: single nucleotide variant.
Coding change: c.515A>T on transcript NM_006030.4 (MANE Select); coding-DNA position 515, A replaced by T.
Protein change: p.Asp172Val; replaces aspartic acid 172 with valine.
Molecular consequence: missense variant.
Genome position (GRCh38, 1-based): chr3:50,384,333, T>A on the plus strand (A>T on the coding strand, the complement: CACNA2D2 is on the minus strand). VCF-style: chr3-50384333-T-A. GRCh37 (hg19) VCF-style: chr3-50421764-T-A.
Other names: c.515A>T, p.Asp172Val (NM_001005505.3, NM_001174051.3, NM_001410768.1); c.308A>T, p.Asp103Val (NM_001291101.1); short protein forms D103V, D172V.
Identifiers: ClinVar variation 4772728 (VCV004772728.1).

ClinVar aggregate classification (germline): Uncertain significance (1 of 4 stars; one submission).

Conditions:
Early-infantile DEE. Also called: Early infantile epileptic encephalopathy with suppression bursts; Early infantile epileptic encephalopathy; Ohtahara syndrome. Identifiers: Orphanet 1934, MedGen C0393706, MONDO:0800491.

Submission:

Labcorp Genetics (formerly Invitae), Labcorp
Classification: Uncertain significance for Early-infantile DEE. Last evaluated: 2025-05-01. Review status: criteria provided, single submitter. Criteria: Invitae Variant Classification Sherloc (09022015). Collection method: clinical testing. Allele origin: germline.
Comment: This sequence change replaces aspartic acid, which is acidic and polar, with valine, which is neutral and non-polar, at codon 172 of the CACNA2D2 protein (p.Asp172Val). This variant is not present in population databases (gnomAD no frequency). This variant has not been reported in the literature in individuals affected with CACNA2D2-related conditions. An algorithm developed to predict the effect of missense changes on protein structure and function (PolyPhen-2) suggests that this variant is likely to be tolerated. In summary, the available evidence is currently insufficient to determine the role of this variant in disease. Therefore, it has been classified as a Variant of Uncertain Significance.